The following is an entry in ClinVar:

NM_207315.4(CMPK2):c.541G>A (p.Asp181Asn)

Gene: CMPK2 (cytidine/uridine monophosphate kinase 2; minus strand). Cytogenetic location: 2p25.2.
Variant type: single nucleotide variant.
Coding change: c.541G>A on transcript NM_207315.4 (MANE Select); coding-DNA position 541, G replaced by A.
Protein change: p.Asp181Asn; replaces aspartic acid 181 with asparagine.
Molecular consequence: missense variant.
Genome position (GRCh38, 1-based): chr2:6,865,156, C>T on the plus strand (G>A on the coding strand, the complement: CMPK2 is on the minus strand). VCF-style: chr2-6865156-C-T. GRCh37 (hg19) VCF-style: chr2-7005287-C-T.
Other names: c.541G>A, p.Asp181Asn (NM_001256477.1, NM_001256478.1); short protein forms D181N.
Identifiers: ClinVar variation 4821492 (VCV004821492.4).

ClinVar aggregate classification (germline): Likely benign (1 of 4 stars; one submission).

gnomAD v4.1: 1,012 of 1,534,708 alleles (0.066%); highest among the groups gnomAD compares: African/African-American, 1.3%; 3 homozygotes.

Submission:

CeGaT Center for Human Genetics Tuebingen
Classification: Likely benign. Last evaluated: 2026-01-01. Review status: criteria provided, single submitter. Criteria: CeGaT Center For Human Genetics Tuebingen Variant Classification Criteria Version 2. Collection method: clinical testing. Allele origin: germline. Affected: yes. Observed: 1 variant allele.
Comment: CMPK2: BS1